The following is an entry in ClinVar:

ClinVar aggregate classification (germline): Uncertain significance (1 of 4 stars; one submission).

Allele frequency attached by ClinVar (database versions not stated): gnomAD 0.00004; gnomAD exomes below 0.00001 and 0.00002; TOPMed 0.00003.
gnomAD v4.1: 10 of 1,551,300 alleles (0.00064%); highest among the groups gnomAD compares: African/African-American, 0.012%; no homozygotes.

Submission:

Labcorp Genetics (formerly Invitae), Labcorp
Classification: Uncertain significance. Last evaluated: 2024-04-17. Review status: criteria provided, single submitter. Criteria: Invitae Variant Classification Sherloc (09022015). Collection method: clinical testing. Allele origin: germline.
Comment: This sequence change replaces tyrosine, which is neutral and polar, with aspartic acid, which is acidic and polar, at codon 1819 of the EYS protein (p.Tyr1819Asp). This variant is present in population databases (no rsID available, gnomAD 0.02%). This variant has not been reported in the literature in individuals affected with EYS-related conditions. ClinVar contains an entry for this variant (Variation ID: 1436102). Algorithms developed to predict the effect of missense changes on protein structure and function output the following: SIFT: "Not Available"; PolyPhen-2: "Benign"; Align-GVGD: "Not Available". The aspartic acid amino acid residue is found in multiple mammalian species, which suggests that this missense change does not adversely affect protein function. In summary, the available evidence is currently insufficient to determine the role of this variant in disease. Therefore, it has been classified as a Variant of Uncertain Significance.

NM_001142800.2(EYS):c.5455T>G (p.Tyr1819Asp)

Gene: EYS (EGF-like photoreceptor maintenance factor; minus strand). Cytogenetic location: 6q12.
Variant type: single nucleotide variant.
Coding change: c.5455T>G on transcript NM_001142800.2 (MANE Select); coding-DNA position 5455, T replaced by G.
Protein change: p.Tyr1819Asp; replaces tyrosine 1819 with aspartic acid.
Molecular consequence: missense variant.
Genome position (GRCh38, 1-based): chr6:64,590,412, A>C on the plus strand (T>G on the coding strand, the complement: EYS is on the minus strand). VCF-style: chr6-64590412-A-C. GRCh37 (hg19) VCF-style: chr6-65300305-A-C.
Other names: c.5455T>G, p.Tyr1819Asp (NM_001292009.2); short protein forms Y1819D.
Identifiers: ClinVar variation 1436102 (VCV001436102.6), dbSNP rs954945771, ClinGen allele CA140340870.